The following is an entry in ClinVar:

NM_001261826.3(AP3D1):c.173C>T (p.Ala58Val)

Gene: AP3D1 (adaptor related protein complex 3 subunit delta 1; minus strand). Cytogenetic location: 19p13.3.
Variant type: single nucleotide variant.
Coding change: c.173C>T on transcript NM_001261826.3 (MANE Select); coding-DNA position 173, C replaced by T.
Protein change: p.Ala58Val; replaces alanine 58 with valine.
Molecular consequence: missense variant.
Genome position (GRCh38, 1-based): chr19:2,138,638, G>A on the plus strand (C>T on the coding strand, the complement: AP3D1 is on the minus strand). VCF-style: chr19-2138638-G-A. GRCh37 (hg19) VCF-style: chr19-2138637-G-A.
Other names: c.173C>T, p.Ala58Val (NM_001374799.1, NM_003938.8); short protein forms A58V.
Identifiers: ClinVar variation 4771708 (VCV004771708.1).

ClinVar aggregate classification (germline): Uncertain significance (1 of 4 stars; one submission).

gnomAD v4.1: 5 of 1,613,772 alleles (0.00031%); highest among the groups gnomAD compares: Non-Finnish European, 0.00042%; no homozygotes.

Submission:

Labcorp Genetics (formerly Invitae), Labcorp
Classification: Uncertain significance. Last evaluated: 2025-08-15. Review status: criteria provided, single submitter. Criteria: Invitae Variant Classification Sherloc (09022015). Collection method: clinical testing. Allele origin: germline.
Comment: This sequence change replaces alanine, which is neutral and non-polar, with valine, which is neutral and non-polar, at codon 58 of the AP3D1 protein (p.Ala58Val). This variant is not present in population databases (gnomAD no frequency). This variant has not been reported in the literature in individuals affected with AP3D1-related conditions. An algorithm developed to predict the effect of missense changes on protein structure and function (PolyPhen-2) suggests that this variant is likely to be disruptive. In summary, the available evidence is currently insufficient to determine the role of this variant in disease. Therefore, it has been classified as a Variant of Uncertain Significance.